The following is an entry in ClinVar:

ClinVar aggregate classification (germline): Uncertain significance (1 of 4 stars; one submission).

gnomAD v4.1: 2 of 1,611,784 alleles (0.00012%); highest among the groups gnomAD compares: Admixed American, 0.0033%; no homozygotes.

Submission:

Ambry Genetics
Classification: Uncertain significance. Last evaluated: 2026-08-03. Review status: criteria provided, single submitter. Criteria: Ambry Variant Classification Scheme 2023. Collection method: clinical testing. Allele origin: germline.
Comment: The p.R104P variant (also known as c.311G>C), located in coding exon 4 of the RINT1 gene, results from a G to C substitution at nucleotide position 311. The arginine at codon 104 is replaced by proline, an amino acid with dissimilar properties. This amino acid position is conserved. In addition, this alteration is predicted to be tolerated by in silico analysis. Based on the available evidence, the clinical significance of this variant remains unclear.

NM_021930.6(RINT1):c.311G>C (p.Arg104Pro)

Gene: RINT1 (RAD50 interactor 1; plus strand). Cytogenetic location: 7q22.3.
Variant type: single nucleotide variant.
Coding change: c.311G>C on transcript NM_021930.6 (MANE Select); coding-DNA position 311, G replaced by C.
Protein change: p.Arg104Pro; replaces arginine 104 with proline.
Molecular consequence: missense variant. On other transcripts: 5 prime UTR variant (3), non-coding transcript variant (1).
Genome position (GRCh38, 1-based): chr7:105,542,445, G>C. VCF-style: chr7-105542445-G-C. GRCh37 (hg19) VCF-style: chr7-105182892-G-C.
Other names: c.77G>C, p.Arg26Pro (NM_001346599.2); c.-709G>C (NM_001346600.2); c.-612G>C (NM_001346601.2); c.-232G>C (NM_001346603.2); short protein forms R26P, R104P.
Identifiers: ClinVar variation 5028287 (VCV005028287.1).